The following is an entry in ClinVar:

NM_018518.5(MCM10):c.1590G>A (p.Arg530=)

Gene: MCM10 (minichromosome maintenance 10 replication initiation factor; plus strand). Cytogenetic location: 10p13.
Variant type: single nucleotide variant.
Coding change: c.1590G>A on transcript NM_018518.5 (MANE Select); coding-DNA position 1590, G replaced by A.
Protein change: p.Arg530=; no amino-acid change (arginine 530 retained).
Molecular consequence: synonymous variant.
Genome position (GRCh38, 1-based): chr10:13,192,328, G>A. VCF-style: chr10-13192328-G-A. GRCh37 (hg19) VCF-style: chr10-13234328-G-A.
Other names: c.1593G>A, p.Arg531= (NM_182751.3).
Identifiers: ClinVar variation 730168 (VCV000730168.17), dbSNP rs141376818, ClinGen allele CA5411557.
Genomic context (GRCh38, chr10:13,192,328, plus strand): 5'-GAGCCTGTCTTGCTCTGAGGAGTTCAAGGAACTGATGGACCTGCCGACGTGTGGAGCCAG[G>A]AACTTAAAACAACATTTAGCCAAAGCCACAGCTTCAGGTACCATCAGCTGCATGGCCACA-3'
Protein context (NP_060988.3, residues 520-540): ELMDLPTCGA[Arg530=]NLKQHLAKAT

ClinVar aggregate classification (germline): Benign/Likely benign. Review status: criteria provided, multiple submitters, no conflicts (2 of 4 stars). 3 submissions from 3 submitters: Benign (1); Likely benign (2). Last evaluated 2025-01-01.

Allele frequency attached by ClinVar (database versions not stated): 1000 Genomes Project 30x 0.00094; 1000 Genomes Project 0.00100; gnomAD exomes 0.00176 and 0.00317; TOPMed 0.00182; ExAC 0.00192; gnomAD 0.00192 and 0.00195; ESP Exome Variant Server 0.00200.
gnomAD v4.1: 4,901 of 1,614,082 alleles (0.3%); highest among the groups gnomAD compares: Non-Finnish European, 0.38%; 13 homozygotes.

Submissions (3):

CeGaT Center for Human Genetics Tuebingen
Classification: Likely benign. Last evaluated: 2025-01-01. Review status: criteria provided, single submitter. Criteria: CeGaT Center For Human Genetics Tuebingen Variant Classification Criteria Version 2. Collection method: clinical testing. Allele origin: germline. Affected: yes. Observed: 1 variant allele.
Comment: MCM10: BP4, BP7, BS2

Blueprint Genetics
Classification: Likely benign. Last evaluated: 2024-11-17. Review status: criteria provided, single submitter. Criteria: ACMG Guidelines, 2015. Collection method: clinical testing. Allele origin: germline.

Labcorp Genetics (formerly Invitae), Labcorp
Classification: Benign. Last evaluated: 2018-06-18. Review status: criteria provided, single submitter. Criteria: Invitae Variant Classification Sherloc (09022015). Collection method: clinical testing. Allele origin: germline.